The following is an entry in ClinVar:

ClinVar aggregate classification (germline): Uncertain significance (1 of 4 stars; one submission).

Conditions:
Inborn genetic diseases. Identifiers: MedGen C0950123, MeSH D030342.

gnomAD v4.1: 1 of 1,586,752 alleles (0.000063%); no homozygotes.

Submission:

Ambry Genetics
Classification: Uncertain significance for Inborn genetic diseases. Last evaluated: 2025-02-14. Review status: criteria provided, single submitter. Criteria: Ambry Variant Classification Scheme 2023. Collection method: clinical testing. Allele origin: germline.
Comment: The p.V461A variant (also known as c.1382T>C), located in coding exon 7 of the PIK3CA gene, results from a T to C substitution at nucleotide position 1382. The valine at codon 461 is replaced by alanine, an amino acid with similar properties. This amino acid position is conserved. In addition, the in silico prediction for this alteration is inconclusive. Based on the available evidence, the clinical significance of this variant remains unclear.

NM_006218.4(PIK3CA):c.1382T>C (p.Val461Ala)

Gene: PIK3CA (phosphatidylinositol-4,5-bisphosphate 3-kinase catalytic subunit alpha; plus strand). Cytogenetic location: 3q26.32.
Variant type: single nucleotide variant.
Coding change: c.1382T>C on transcript NM_006218.4 (MANE Select); coding-DNA position 1382, T replaced by C.
Protein change: p.Val461Ala; replaces valine 461 with alanine.
Molecular consequence: missense variant.
Genome position (GRCh38, 1-based): chr3:179,210,316, T>C. VCF-style: chr3-179210316-T-C. GRCh37 (hg19) VCF-style: chr3-178928104-T-C.
Other names: short protein forms V461A.
Identifiers: ClinVar variation 3888931 (VCV003888931.1).